The following is an entry in ClinVar:

NM_001042492.3(NF1):c.4921A>G (p.Ile1641Val)

Gene: NF1 (neurofibromin 1; plus strand). Cytogenetic location: 17q11.2.
Variant type: single nucleotide variant.
Coding change: c.4921A>G on transcript NM_001042492.3 (MANE Select); coding-DNA position 4921, A replaced by G.
Protein change: p.Ile1641Val; replaces isoleucine 1641 with valine.
Molecular consequence: missense variant.
Genome position (GRCh38, 1-based): chr17:31,325,905, A>G. VCF-style: chr17-31325905-A-G. GRCh37 (hg19) VCF-style: chr17-29652923-A-G.
Other names: c.4858A>G, p.Ile1620Val (NM_000267.4); short protein forms I1620V, I1641V.
Identifiers: ClinVar variation 1390405 (VCV001390405.7), dbSNP rs2151537768, ClinGen allele CA399007114.

ClinVar aggregate classification (germline): Uncertain significance. Review status: criteria provided, multiple submitters, no conflicts (2 of 4 stars). 2 submissions from 2 submitters: Uncertain significance (2). Last evaluated 2023-06-21.

Conditions:
Cardiovascular phenotype. Identifiers: MedGen CN230736.
Hereditary cancer-predisposing syndrome. Also called: Hereditary neoplastic syndrome; Neoplastic Syndromes, Hereditary; Hereditary Cancer Syndrome; Tumor predisposition. Identifiers: Orphanet 140162, MedGen C0027672, MeSH D009386, MONDO:0015356.
Neurofibromatosis, type 1 (NF1). Also called: VON RECKLINGHAUSEN DISEASE; Neurofibromatosis, type I; NEUROFIBROMATOSIS, TYPE I, SOMATIC; Peripheral type neurofibromatosis. Identifiers: Orphanet 636, MedGen C0027831, MONDO:0018975, OMIM 162200. Disease mechanism: loss of function.

Submissions (2):

Ambry Genetics
Classification: Uncertain significance for Cardiovascular phenotype; Hereditary cancer-predisposing syndrome. Last evaluated: 2023-06-21. Review status: criteria provided, single submitter. Criteria: Ambry Variant Classification Scheme 2023. Collection method: clinical testing. Allele origin: germline.
Comment: The p.I1620V variant (also known as c.4858A>G), located in coding exon 36 of the NF1 gene, results from an A to G substitution at nucleotide position 4858. The isoleucine at codon 1620 is replaced by valine, an amino acid with highly similar properties. This amino acid position is conserved. In addition, this alteration is predicted to be tolerated by in silico analysis. Since supporting evidence is limited at this time, the clinical significance of this alteration remains unclear.

Labcorp Genetics (formerly Invitae), Labcorp
Classification: Uncertain significance for Neurofibromatosis, type 1. Last evaluated: 2021-11-01. Review status: criteria provided, single submitter. Criteria: Invitae Variant Classification Sherloc (09022015). Collection method: clinical testing. Allele origin: germline.
Comment: This variant is not present in population databases (gnomAD no frequency). This variant has not been reported in the literature in individuals affected with NF1-related conditions. Advanced modeling of protein sequence and biophysical properties (such as structural, functional, and spatial information, amino acid conservation, physicochemical variation, residue mobility, and thermodynamic stability) performed at Invitae indicates that this missense variant is not expected to disrupt NF1 protein function. In summary, the available evidence is currently insufficient to determine the role of this variant in disease. Therefore, it has been classified as a Variant of Uncertain Significance. This sequence change replaces isoleucine, which is neutral and non-polar, with valine, which is neutral and non-polar, at codon 1620 of the NF1 protein (p.Ile1620Val).